The following is an entry in ClinVar:

NM_001282116.2(RFX3):c.1832A>G (p.Asp611Gly)

Gene: RFX3 (regulatory factor X3; minus strand). Cytogenetic location: 9p24.2.
Variant type: single nucleotide variant.
Coding change: c.1832A>G on transcript NM_001282116.2 (MANE Select); coding-DNA position 1832, A replaced by G.
Protein change: p.Asp611Gly; replaces aspartic acid 611 with glycine.
Molecular consequence: missense variant.
Genome position (GRCh38, 1-based): chr9:3,248,168, T>C on the plus strand (A>G on the coding strand, the complement: RFX3 is on the minus strand). VCF-style: chr9-3248168-T-C. GRCh37 (hg19) VCF-style: chr9-3248168-T-C.
Other names: c.1832A>G, p.Asp611Gly (NM_001377999.1, NM_002919.4, NM_134428.3); short protein forms D611G.
Identifiers: ClinVar variation 3371741 (VCV003371741.1).
Genomic context (GRCh38, chr9:3,248,168, plus strand): 5'-TCGTAGAGTAGACGGATCAGGTGGAAGGAGCCAAAGCTAGCAGCACTGCGTAAGGTTAAG[T>C]CCCGAATAACCATTGAGCTGTTCCAAGAGAAAAGACAAATATGCAGCTAACATTAGTGAC-3'
Protein context (NP_001269045.1, residues 601-621): WSFYSSMVIR[Asp611Gly]LTLRSAASFG

ClinVar aggregate classification (germline): Uncertain significance (1 of 4 stars; one submission).

Submission:

GeneDx
Classification: Uncertain significance. Last evaluated: 2024-04-02. Review status: criteria provided, single submitter. Criteria: GeneDx Variant Classification Process June 2021. Collection method: clinical testing. Allele origin: germline. Affected: yes.
Comment: Not observed at significant frequency in large population cohorts (gnomAD); In silico analysis supports that this missense variant has a deleterious effect on protein structure/function; Has not been previously published as pathogenic or benign to our knowledge; This variant is associated with the following publications: (PMID: 33658631)